The following is an entry in ClinVar:

ClinVar aggregate classification (germline): Uncertain significance (1 of 4 stars; one submission).

Conditions:
Early Myoclonic Encephalopathy. Identifiers: MedGen C0270855.

gnomAD v4.1: 4 of 1,614,074 alleles (0.00025%); highest among the groups gnomAD compares: Non-Finnish European, 0.00034%; no homozygotes.

Submission:

Labcorp Genetics (formerly Invitae), Labcorp
Classification: Uncertain significance for Early Myoclonic Encephalopathy. Last evaluated: 2024-06-26. Review status: criteria provided, single submitter. Criteria: Invitae Variant Classification Sherloc (09022015). Collection method: clinical testing. Allele origin: germline.
Comment: This sequence change replaces serine, which is neutral and polar, with threonine, which is neutral and polar, at codon 527 of the JMJD1C protein (p.Ser527Thr). This variant is present in population databases (no rsID available, gnomAD 0.0009%). This variant has not been reported in the literature in individuals affected with JMJD1C-related conditions. Advanced modeling of protein sequence and biophysical properties (such as structural, functional, and spatial information, amino acid conservation, physicochemical variation, residue mobility, and thermodynamic stability) performed at Invitae indicates that this missense variant is not expected to disrupt JMJD1C protein function with a negative predictive value of 80%. In summary, the available evidence is currently insufficient to determine the role of this variant in disease. Therefore, it has been classified as a Variant of Uncertain Significance.

NM_032776.3(JMJD1C):c.1580G>C (p.Ser527Thr)

Gene: JMJD1C (jumonji domain containing 1C; minus strand). Cytogenetic location: 10q21.3.
Variant type: single nucleotide variant.
Coding change: c.1580G>C on transcript NM_032776.3 (MANE Select); coding-DNA position 1580, G replaced by C.
Protein change: p.Ser527Thr; replaces serine 527 with threonine.
Molecular consequence: missense variant. On other transcripts: non-coding transcript variant (1).
Genome position (GRCh38, 1-based): chr10:63,214,587, C>G on the plus strand (G>C on the coding strand, the complement: JMJD1C is on the minus strand). VCF-style: chr10-63214587-C-G. GRCh37 (hg19) VCF-style: chr10-64974347-C-G.
Other names: c.1034G>C, p.Ser345Thr (NM_001282948.2, NM_001318154.2); c.716G>C, p.Ser239Thr (NM_001318153.2); c.1466G>C, p.Ser489Thr (NM_001322252.2); c.923G>C, p.Ser308Thr (NM_001322254.2, NM_001322258.2); short protein forms S527T, S239T, S308T, S345T, S489T.
Identifiers: ClinVar variation 3678272 (VCV003678272.2).